The following is an entry in ClinVar:

NM_004525.3(LRP2):c.345C>A (p.Cys115Ter)

Gene: LRP2 (LDL receptor related protein 2; minus strand). Cytogenetic location: 2q31.1.
Variant type: single nucleotide variant.
Coding change: c.345C>A on transcript NM_004525.3 (MANE Select); coding-DNA position 345, C replaced by A.
Protein change: p.Cys115Ter; replaces cysteine 115 with a stop codon.
Molecular consequence: nonsense.
Genome position (GRCh38, 1-based): chr2:169,307,363, G>T on the plus strand (C>A on the coding strand, the complement: LRP2 is on the minus strand). VCF-style: chr2-169307363-G-T. GRCh37 (hg19) VCF-style: chr2-170163873-G-T.
Other names: short protein forms C115*.
Identifiers: ClinVar variation 2001708 (VCV002001708.4), dbSNP rs1483364237, ClinGen allele CA349168617.

ClinVar aggregate classification (germline): Pathogenic (1 of 4 stars; one submission).

Submission:

Labcorp Genetics (formerly Invitae), Labcorp
Classification: Pathogenic. Last evaluated: 2022-07-31. Review status: criteria provided, single submitter. Criteria: Invitae Variant Classification Sherloc (09022015). Collection method: clinical testing. Allele origin: germline.
Comment: This variant has not been reported in the literature in individuals affected with LRP2-related conditions. For these reasons, this variant has been classified as Pathogenic. This sequence change creates a premature translational stop signal (p.Cys115*) in the LRP2 gene. It is expected to result in an absent or disrupted protein product. Loss-of-function variants in LRP2 are known to be pathogenic (PMID: 17632512, 25682901). This variant is not present in population databases (gnomAD no frequency).

Literature cited by the submitters: PubMed 17632512; PubMed 25682901.